The following is an entry in ClinVar:

NM_015338.6(ASXL1):c.4312C>T (p.Gln1438Ter)

Gene: ASXL1 (ASXL transcriptional regulator 1; plus strand). Cytogenetic location: 20q11.21.
Variant type: single nucleotide variant.
Coding change: c.4312C>T on transcript NM_015338.6 (MANE Select); coding-DNA position 4312, C replaced by T.
Protein change: p.Gln1438Ter; replaces glutamine 1438 with a stop codon.
Molecular consequence: nonsense.
Genome position (GRCh38, 1-based): chr20:32,437,024, C>T. VCF-style: chr20-32437024-C-T. GRCh37 (hg19) VCF-style: chr20-31024827-C-T.
Other names: c.4129C>T, p.Gln1377Ter (NM_001363734.1); short protein forms Q1438*, Q1377*.
Identifiers: ClinVar variation 504329 (VCV000504329.3), dbSNP rs1555912974, ClinGen allele CA408564890.

ClinVar aggregate classification (germline): Likely pathogenic (1 of 4 stars; one submission).

Submission:

GeneDx
Classification: Likely pathogenic. Last evaluated: 2020-03-23. Review status: criteria provided, single submitter. Criteria: GeneDx Variant Classification Process June 2021. Collection method: clinical testing. Allele origin: germline. Affected: yes.
Comment: Not observed in large population cohorts (Lek et al., 2016); Nonsense variant predicted to result in protein truncation as the last 104 amino acids are lost, although loss-of-function variants have not been reported downstream of this position in the protein; Has not been previously published as pathogenic or benign to our knowledge